The following is an entry in ClinVar:

ClinVar aggregate classification (germline): Pathogenic/Likely pathogenic. Review status: criteria provided, multiple submitters, no conflicts (2 of 4 stars). 2 submissions from 2 submitters: Pathogenic (1); Likely pathogenic (1). Last evaluated 2024-04-03.

Conditions:
Epithelial basement membrane dystrophy. Also called: CORNEAL DYSTROPHY, EPITHELIAL BASEMENT MEMBRANE; CORNEAL DYSTROPHY, ANTERIOR BASEMENT MEMBRANE; CORNEAL DYSTROPHY, MICROCYSTIC; Corneal epithelial dystrophy; Microcystic dystrophy of the cornea; Corneal dystrophy, Cogan type. Identifiers: Orphanet 98956, MedGen C0521723, MONDO:0007375, OMIM 121820, HP:0007690.

Submissions (2):

Labcorp Genetics (formerly Invitae), Labcorp
Classification: Pathogenic. Last evaluated: 2024-04-03. Review status: criteria provided, single submitter. Criteria: Invitae Variant Classification Sherloc (09022015). Collection method: clinical testing. Allele origin: germline.
Comment: This sequence change replaces methionine, which is neutral and non-polar, with lysine, which is basic and polar, at codon 619 of the TGFBI protein (p.Met619Lys). This variant is not present in population databases (gnomAD no frequency). This missense change has been observed in individual(s) with autosomal dominant corneal dystrophy (PMID: 18332318). It has also been observed to segregate with disease in related individuals. This variant is also known as c.1903T>A. Advanced modeling of protein sequence and biophysical properties (such as structural, functional, and spatial information, amino acid conservation, physicochemical variation, residue mobility, and thermodynamic stability) performed at Invitae indicates that this missense variant is expected to disrupt TGFBI protein function with a positive predictive value of 80%. For these reasons, this variant has been classified as Pathogenic.

3billion
Classification: Likely pathogenic for Epithelial basement membrane dystrophy. Last evaluated: 2023-07-26. Review status: criteria provided, single submitter. Criteria: ACMG Guidelines, 2015. Collection method: clinical testing. Allele origin: germline. Affected: yes.
Comment: The variant is not observed in the gnomAD v2.1.1 dataset. Predicted Consequence/Location: The variant is located in a mutational hot spot and/or well-established functional domain in which established pathogenic variants have been reported (PMID: 30830990). Missense changes are a common disease-causing mechanism. In silico tool predictions suggest damaging effect of the variant on gene or gene product (REVEL: 0.89; 3Cnet: 0.95). Same nucleotide change resulting in same amino acid change has been previously reported to be associated with TGFBI related disorder (PMID: 18332318). A different missense change at the same codon (p.Met619Val) has been reported to be associated with TGFBI related disorder (ClinVar ID: VCV001333310 /3billion dataset). Therefore, this variant is classified as Likely pathogenic according to the recommendation of ACMG/AMP guideline.

Literature cited by the submitters: PubMed 18332318 (cited by Labcorp Genetics (formerly Invitae), Labcorp and 3billion); PubMed 30830990 (cited by 3billion).

NM_000358.3(TGFBI):c.1856T>A (p.Met619Lys)

Gene: TGFBI (transforming growth factor beta induced; plus strand). Cytogenetic location: 5q31.1.
Variant type: single nucleotide variant.
Coding change: c.1856T>A on transcript NM_000358.3 (MANE Select); coding-DNA position 1856, T replaced by A.
Protein change: p.Met619Lys; replaces methionine 619 with lysine.
Molecular consequence: missense variant.
Genome position (GRCh38, 1-based): chr5:136,060,886, T>A. VCF-style: chr5-136060886-T-A. GRCh37 (hg19) VCF-style: chr5-135396575-T-A.
Other names: short protein forms M619K.
Identifiers: ClinVar variation 3720657 (VCV003720657.3).